The following is an entry in ClinVar:

NM_206933.4(USH2A):c.10779C>G (p.Ile3593Met)

Gene: USH2A (usherin; minus strand). Cytogenetic location: 1q41.
Variant type: single nucleotide variant.
Coding change: c.10779C>G on transcript NM_206933.4 (MANE Select); coding-DNA position 10779, C replaced by G.
Protein change: p.Ile3593Met; replaces isoleucine 3593 with methionine.
Molecular consequence: missense variant.
Genome position (GRCh38, 1-based): chr1:215,780,003, G>C on the plus strand (C>G on the coding strand, the complement: USH2A is on the minus strand). VCF-style: chr1-215780003-G-C. GRCh37 (hg19) VCF-style: chr1-215953345-G-C.
Other names: short protein forms I3593M.
Identifiers: ClinVar variation 990778 (VCV000990778.3), dbSNP rs781539138, ClinGen allele CA37435874.

ClinVar aggregate classification (germline): Uncertain significance. Review status: criteria provided, single submitter (1 of 4 stars). 2 submissions from 2 submitters: Uncertain significance (1). 1 of the submissions does not count toward it. Last evaluated 2022-02-20.

Conditions:
Usher syndrome type 2A. Also called: RETINAL DISEASE IN USHER SYNDROME TYPE IIA, MODIFIER OF; USHER SYNDROME, TYPE IIA. Identifiers: Orphanet 231178, Orphanet 886, MedGen C1848634, MONDO:0010169, OMIM 276901.

Allele frequency attached by ClinVar (database versions not stated): gnomAD exomes 0.00001; TOPMed 0.00001.
gnomAD v4.1: 7 of 1,614,092 alleles (0.00043%); highest among the groups gnomAD compares: Admixed American, 0.0083%; no homozygotes.

Submissions (2):

Labcorp Genetics (formerly Invitae), Labcorp
Classification: Uncertain significance. Last evaluated: 2022-02-20. Review status: criteria provided, single submitter. Criteria: Invitae Variant Classification Sherloc (09022015). Collection method: clinical testing. Allele origin: germline.
Comment: This sequence change replaces isoleucine, which is neutral and non-polar, with methionine, which is neutral and non-polar, at codon 3593 of the USH2A protein (p.Ile3593Met). This variant is present in population databases (no rsID available, gnomAD 0.009%). This variant has not been reported in the literature in individuals affected with USH2A-related conditions. ClinVar contains an entry for this variant (Variation ID: 990778). Algorithms developed to predict the effect of missense changes on protein structure and function are either unavailable or do not agree on the potential impact of this missense change (SIFT: "Deleterious"; PolyPhen-2: "Possibly Damaging"; Align-GVGD: "Class C0"). In summary, the available evidence is currently insufficient to determine the role of this variant in disease. Therefore, it has been classified as a Variant of Uncertain Significance.

Natera, Inc.
Classification: Uncertain significance for Usher syndrome type 2A. Last evaluated: 2020-08-28. Review status: no assertion criteria provided. Collection method: clinical testing. Allele origin: germline. Not counted in ClinVar's aggregate classification.